The following is an entry in ClinVar:

ClinVar aggregate classification (germline): Uncertain significance (1 of 4 stars; one submission).

gnomAD v4.1: 4 of 1,613,946 alleles (0.00025%); highest among the groups gnomAD compares: Non-Finnish European, 0.00034%; no homozygotes.

Submission:

Labcorp Genetics (formerly Invitae), Labcorp
Classification: Uncertain significance. Last evaluated: 2025-03-21. Review status: criteria provided, single submitter. Criteria: Invitae Variant Classification Sherloc (09022015). Collection method: clinical testing. Allele origin: germline.
Comment: This sequence change replaces leucine, which is neutral and non-polar, with phenylalanine, which is neutral and non-polar, at codon 333 of the DSTYK protein (p.Leu333Phe). This variant is present in population databases (rs142787461, gnomAD 0.003%). This variant has not been reported in the literature in individuals affected with DSTYK-related conditions. An algorithm developed to predict the effect of missense changes on protein structure and function (PolyPhen-2) suggests that this variant is likely to be tolerated. In summary, the available evidence is currently insufficient to determine the role of this variant in disease. Therefore, it has been classified as a Variant of Uncertain Significance.

NM_015375.3(DSTYK):c.999G>T (p.Leu333Phe)

Gene: DSTYK (dual serine/threonine and tyrosine protein kinase; minus strand). Cytogenetic location: 1q32.1.
Variant type: single nucleotide variant.
Coding change: c.999G>T on transcript NM_015375.3 (MANE Select); coding-DNA position 999, G replaced by T.
Protein change: p.Leu333Phe; replaces leucine 333 with phenylalanine.
Molecular consequence: missense variant.
Genome position (GRCh38, 1-based): chr1:205,169,488, C>A on the plus strand (G>T on the coding strand, the complement: DSTYK is on the minus strand). VCF-style: chr1-205169488-C-A. GRCh37 (hg19) VCF-style: chr1-205138616-C-A.
Other names: c.999G>T, p.Leu333Phe (NM_199462.3); short protein forms L333F.
Identifiers: ClinVar variation 4693181 (VCV004693181.1).
Genomic context (GRCh38, chr1:205,169,488, plus strand): 5'-AGTCTGTAACACCTGGTGAGAAAATGTGCTCAAGTGTCTCAGCTTTTCACTCTGTTCCAC[C>A]AACATGCTCTGAGCTTTAGTATCCTGGCCAGGAGCCCCACAGTTCCAGTGACTGCTGCTC-3'
Protein context (NP_056190.1, residues 323-343): PGQDTKAQSM[Leu333Phe]VEQSEKLRHL